The following is an entry in ClinVar:

NM_017617.5(NOTCH1):c.7463A>G (p.His2488Arg)

Gene: NOTCH1 (notch receptor 1; minus strand). Cytogenetic location: 9q34.3.
Variant type: single nucleotide variant.
Coding change: c.7463A>G on transcript NM_017617.5 (MANE Select); coding-DNA position 7463, A replaced by G.
Protein change: p.His2488Arg; replaces histidine 2488 with arginine.
Molecular consequence: missense variant.
Genome position (GRCh38, 1-based): chr9:136,496,276, T>C on the plus strand (A>G on the coding strand, the complement: NOTCH1 is on the minus strand). VCF-style: chr9-136496276-T-C. GRCh37 (hg19) VCF-style: chr9-139390728-T-C.
Other names: c.7463A>G (NM_017617.3); short protein forms H2488R.
Identifiers: ClinVar variation 2628489 (VCV002628489.6), dbSNP rs1208693439, ClinGen allele CA375626159.

ClinVar aggregate classification (germline): Uncertain significance. Review status: criteria provided, multiple submitters, no conflicts (2 of 4 stars). 4 submissions from 4 submitters: Uncertain significance (4). Last evaluated 2025-10-07.

Conditions:
NOTCH1-related disorder. Also called: NOTCH1-related condition; NOTCH1-related disorders.
Adams-Oliver syndrome 5 (AOS5). Identifiers: Orphanet 974, MedGen C4014970, MONDO:0014459, OMIM 616028.
Familial thoracic aortic aneurysm and aortic dissection (TAAD). Also called: Thoracic aortic aneurysms and dissections. Identifiers: Orphanet 91387, MedGen C4707243, MONDO:0019625.

Allele frequency attached by ClinVar (database versions not stated): gnomAD exomes below 0.00001; TOPMed 0.00001; gnomAD 0.00002.
gnomAD v4.1: 5 of 1,599,726 alleles (0.00031%); highest among the groups gnomAD compares: Non-Finnish European, 0.00043%; no homozygotes.

Submissions (4):

Ambry Genetics
Classification: Uncertain significance for Familial thoracic aortic aneurysm and aortic dissection. Last evaluated: 2025-10-07. Review status: criteria provided, single submitter. Criteria: Ambry Variant Classification Scheme 2023. Collection method: clinical testing. Allele origin: germline.
Comment: The p.H2488R variant (also known as c.7463A>G), located in coding exon 34 of the NOTCH1 gene, results from an A to G substitution at nucleotide position 7463. The histidine at codon 2488 is replaced by arginine, an amino acid with highly similar properties. This amino acid position is highly conserved in available vertebrate species. In addition, the in silico prediction for this alteration is inconclusive. Based on the available evidence, the clinical significance of this variant remains unclear.

Labcorp Genetics (formerly Invitae), Labcorp
Classification: Uncertain significance for Adams-Oliver syndrome 5. Last evaluated: 2024-09-23. Review status: criteria provided, single submitter. Criteria: Invitae Variant Classification Sherloc (09022015). Collection method: clinical testing. Allele origin: germline.
Comment: This sequence change replaces histidine, which is basic and polar, with arginine, which is basic and polar, at codon 2488 of the NOTCH1 protein (p.His2488Arg). This variant is not present in population databases (gnomAD no frequency). This variant has not been reported in the literature in individuals affected with NOTCH1-related conditions. ClinVar contains an entry for this variant (Variation ID: 2628489). Invitae Evidence Modeling of protein sequence and biophysical properties (such as structural, functional, and spatial information, amino acid conservation, physicochemical variation, residue mobility, and thermodynamic stability) indicates that this missense variant is not expected to disrupt NOTCH1 protein function with a negative predictive value of 80%. In summary, the available evidence is currently insufficient to determine the role of this variant in disease. Therefore, it has been classified as a Variant of Uncertain Significance.

GeneDx
Classification: Uncertain significance. Last evaluated: 2024-06-16. Review status: criteria provided, single submitter. Criteria: GeneDx Variant Classification Process June 2021. Collection method: clinical testing. Allele origin: germline. Affected: yes.
Comment: Not observed at significant frequency in large population cohorts (gnomAD); In silico analysis supports that this missense variant has a deleterious effect on protein structure/function; Has not been previously published as pathogenic or benign to our knowledge

PreventionGenetics, part of Exact Sciences
Classification: Uncertain significance for NOTCH1-related condition. Last evaluated: 2023-07-09. Review status: criteria provided, single submitter. Criteria: ACMG Guidelines, 2015. Collection method: clinical testing. Allele origin: germline.
Comment: The NOTCH1 c.7463A>G variant is predicted to result in the amino acid substitution p.His2488Arg. To our knowledge, this variant has not been reported in the literature or in a large population database, indicating this variant is rare. At this time, the clinical significance of this variant is uncertain due to the absence of conclusive functional and genetic evidence.